The following is an entry in ClinVar:

ClinVar aggregate classification (germline): Uncertain significance (1 of 4 stars; one submission).

Conditions:
NPHP1-related disorder. Also called: NPHP1-related disorders; NPHP1-related condition.

gnomAD v4.1: 1 of 1,613,640 alleles (0.000062%); highest among the groups gnomAD compares: Admixed American, 0.0017%; no homozygotes.

Submission:

PreventionGenetics, part of Exact Sciences
Classification: Uncertain significance for NPHP1-related condition. Last evaluated: 2025-06-04. Review status: criteria provided, single submitter. Criteria: ACMG Guidelines, 2015. Collection method: clinical testing. Allele origin: germline.
Comment: The NPHP1 c.490A>G variant is predicted to result in the amino acid substitution p.Thr164Ala. To our knowledge, this variant has not been reported in the literature. This variant is reported in 0.0029% of alleles in individuals of Latino descent in gnomAD. At this time, the clinical significance of this variant is uncertain due to the absence of conclusive functional and genetic evidence.

NM_001128178.3(NPHP1):c.490A>G (p.Thr164Ala)

Gene: NPHP1 (nephrocystin 1; minus strand). Cytogenetic location: 2q13.
Variant type: single nucleotide variant.
Coding change: c.490A>G on transcript NM_001128178.3 (MANE Select); coding-DNA position 490, A replaced by G.
Protein change: p.Thr164Ala; replaces threonine 164 with alanine.
Molecular consequence: missense variant.
Genome position (GRCh38, 1-based): chr2:110,169,838, T>C on the plus strand (A>G on the coding strand, the complement: NPHP1 is on the minus strand). VCF-style: chr2-110169838-T-C. GRCh37 (hg19) VCF-style: chr2-110927415-T-C.
Other names: c.490A>G, p.Thr164Ala (NM_000272.5, NM_001374256.1, NM_001374257.1 and 1 more transcripts); c.304A>G, p.Thr102Ala (NM_001128179.3); short protein forms T164A, T102A.
Identifiers: ClinVar variation 5001360 (VCV005001360.1).